The following is an entry in ClinVar:

NM_000382.3(ALDH3A2):c.73C>T (p.Gln25Ter)

Gene: ALDH3A2 (aldehyde dehydrogenase 3 family member A2; plus strand). Cytogenetic location: 17p11.2.
Variant type: single nucleotide variant.
Coding change: c.73C>T on transcript NM_000382.3 (MANE Select); coding-DNA position 73, C replaced by T.
Protein change: p.Gln25Ter; replaces glutamine 25 with a stop codon.
Molecular consequence: nonsense. On other transcripts: 5 prime UTR variant (1).
Genome position (GRCh38, 1-based): chr17:19,649,044, C>T. VCF-style: chr17-19649044-C-T. GRCh37 (hg19) VCF-style: chr17-19552357-C-T.
Other names: c.73C>T, p.Gln25Ter (NM_001031806.2, NM_001369136.1, NM_001369137.2 and 3 more transcripts); c.-616C>T (NM_001369148.2); short protein forms Q25*.
Identifiers: ClinVar variation 554435 (VCV000554435.8), dbSNP rs2152325575, ClinGen allele CA398700669.

ClinVar aggregate classification (germline): Pathogenic. Review status: criteria provided, single submitter (1 of 4 stars). 2 submissions from 2 submitters: Pathogenic (1). 1 of the submissions does not count toward it. Last evaluated 2022-06-15.

Conditions:
Sjögren-Larsson syndrome (SLS). Also called: FALDH DEFICIENCY; FATTY ALCOHOL:NAD+ OXIDOREDUCTASE DEFICIENCY; FATTY ALDEHYDE DEHYDROGENASE DEFICIENCY; ICHTHYOSIS, SPASTIC NEUROLOGIC DISORDER, AND OLIGOPHRENIA. Identifiers: Orphanet 816, MedGen C0037231, MONDO:0010031, OMIM 270200.

gnomAD v4.1: 5 of 1,583,936 alleles (0.00032%); highest among the groups gnomAD compares: South Asian, 0.0012%; no homozygotes.

Submissions (2):

Labcorp Genetics (formerly Invitae), Labcorp
Classification: Pathogenic. Last evaluated: 2022-06-15. Review status: criteria provided, single submitter. Criteria: Invitae Variant Classification Sherloc (09022015). Collection method: clinical testing. Allele origin: germline.
Comment: For these reasons, this variant has been classified as Pathogenic. ClinVar contains an entry for this variant (Variation ID: 554435). This premature translational stop signal has been observed in individual(s) with Sjogren-Larsson syndrome (PMID: 17998529). This variant is not present in population databases (gnomAD no frequency). This sequence change creates a premature translational stop signal (p.Gln25*) in the ALDH3A2 gene. It is expected to result in an absent or disrupted protein product. Loss-of-function variants in ALDH3A2 are known to be pathogenic (PMID: 10577908, 10854114).

Counsyl
Classification: Likely pathogenic for Sjögren-Larsson syndrome. Last evaluated: 2017-10-18. Review status: no assertion criteria provided. Collection method: clinical testing. Allele origin: unknown. Not counted in ClinVar's aggregate classification.

Literature cited by the submitters: PubMed 17998529 (cited by Labcorp Genetics (formerly Invitae), Labcorp and Counsyl); PubMed 10577908 (cited by Labcorp Genetics (formerly Invitae), Labcorp); PubMed 10854114 (cited by Labcorp Genetics (formerly Invitae), Labcorp).